The following is an entry in ClinVar:

ClinVar aggregate classification (germline): Likely pathogenic (1 of 4 stars; one submission).

Submission:

GeneDx
Classification: Likely pathogenic. Last evaluated: 2014-09-05. Review status: criteria provided, single submitter. Criteria: GeneDx Variant Classification (06012015). Collection method: clinical testing. Allele origin: germline. Affected: yes.
Comment: A novel E227V variant that is likely pathogenic was identified in the TGFBR1 gene. It has not been published as a pathogenic variant, nor has it been reported as a benign polymorphism to our knowledge. The E227V variant was not observed in approximately 6,500 individuals of European and African American ancestry in an external variant database, indicating it is not a common benign variant in these populations. The E227V variant is a non-conservative amino acid substitution, which is likely to impact secondary protein structure as these residues differ in polarity, charge, size and/or other properties. This substitution occurs at a position that is conserved across species. In silico analysis predicts this variant is probably damaging to the protein structure/function. Furthermore, missense variants in nearby residues (E218K, K232E, F234L) have been reported in the Human Gene Mutation Database in association with TAAD-related disorders (Stenson et al., 2009), supporting the functional importance of this region of the protein. Therefore, this is a strong candidate for a pathogenic variant, however the possibility that it is a benign variant cannot be excluded.

NM_004612.4(TGFBR1):c.680A>T (p.Glu227Val)

Gene: TGFBR1 (transforming growth factor beta receptor 1; plus strand). Cytogenetic location: 9q22.33.
Variant type: single nucleotide variant.
Coding change: c.680A>T on transcript NM_004612.4 (MANE Select); coding-DNA position 680, A replaced by T.
Protein change: p.Glu227Val; replaces glutamic acid 227 with valine.
Molecular consequence: missense variant.
Genome position (GRCh38, 1-based): chr9:99,137,964, A>T. VCF-style: chr9-99137964-A-T. GRCh37 (hg19) VCF-style: chr9-101900246-A-T.
Other names: c.449A>T, p.Glu150Val (NM_001130916.3); c.692A>T, p.Glu231Val (NM_001306210.2); short protein forms E227V, E150V, E231V.
Identifiers: ClinVar variation 418515 (VCV000418515.2), dbSNP rs772339721, ClinGen allele CA16618918.